The following is an entry in ClinVar:

ClinVar aggregate classification (germline): Conflicting classifications of pathogenicity. Review status: criteria provided, conflicting classifications (1 of 4 stars). 2 submissions from 2 submitters: Likely pathogenic (1); Uncertain significance (1). Last evaluated 2024-01-06.

Conditions:
Autosomal dominant Alport syndrome (ATS3A). Also called: Alport syndrome dominant type; Renal failure and sensorineural hearing loss; ALPORT SYNDROME 3A, AUTOSOMAL DOMINANT. Identifiers: Orphanet 63, Orphanet 88918, MedGen C5882663, MONDO:0007086, OMIM 104200.
Hematuria, benign familial, 2 (BFH2). Identifiers: MedGen C5830421, MONDO:0958186, OMIM 620320.
Alport syndrome 3b, autosomal recessive. Identifiers: MedGen C5882699, MONDO:0957811, OMIM 620536.

Submissions (2):

Fulgent Genetics
Classification: Likely pathogenic for Autosomal dominant Alport syndrome; Hematuria, benign familial, 2; Alport syndrome 3b, autosomal recessive. Last evaluated: 2024-01-06. Review status: criteria provided, single submitter. Criteria: ACMG Guidelines, 2015. Collection method: clinical testing. Allele origin: germline.

Labcorp Genetics (formerly Invitae), Labcorp
Classification: Uncertain significance. Last evaluated: 2020-07-03. Review status: criteria provided, single submitter. Criteria: Invitae Variant Classification Sherloc (09022015). Collection method: clinical testing. Allele origin: germline.
Comment: In summary, the available evidence is currently insufficient to determine the role of this variant in disease. Therefore, it has been classified as a Variant of Uncertain Significance. This variant has not been reported in the literature in individuals with COL4A3-related conditions. This variant is not present in population databases (ExAC no frequency). This sequence change replaces glycine with glutamic acid at codon 659 of the COL4A3 protein (p.Gly659Glu). The glycine residue is highly conserved and there is a moderate physicochemical difference between glycine and glutamic acid.

NM_000091.5(COL4A3):c.1976G>A (p.Gly659Glu)

Genes: MFF-DT (MFF divergent transcript; minus strand), COL4A3 (collagen type IV alpha 3 chain; plus strand). Cytogenetic location: 2q36.3.
Variant type: single nucleotide variant.
Coding change: c.1976G>A on transcript NM_000091.5 (MANE Select); coding-DNA position 1976, G replaced by A.
Protein change: p.Gly659Glu; replaces glycine 659 with glutamic acid.
Molecular consequence: missense variant.
Genome position (GRCh38, 1-based): chr2:227,276,433, G>A. VCF-style: chr2-227276433-G-A. GRCh37 (hg19) VCF-style: chr2-228141149-G-A.
Other names: short protein forms G659E.
Identifiers: ClinVar variation 1041669 (VCV001041669.10), dbSNP rs2071568063, ClinGen allele CA350846311.
Genomic context (GRCh38, chr2:227,276,433, plus strand): 5'-AATTTCCTTAAGGCCCTAGGGGAGAGCTCAGTGTTTCAACACCAGTTCCAGGCCCACCAG[G>A]ACCTCCAGGGCCCCCTGGCCATCCTGGCCCCCAAGGTCCACCTGGTAAGTATCCTCTGCC-3'
Protein context (NP_000082.2, residues 649-669): SVSTPVPGPP[Gly659Glu]PPGPPGHPGP